The following is an entry in ClinVar:

ClinVar aggregate classification (germline): Likely benign. Review status: criteria provided, multiple submitters, no conflicts (2 of 4 stars). 2 submissions from 2 submitters: Likely benign (2). Last evaluated 2025-07-03.

Conditions:
RPGRIP1-related disorder. Also called: RPGRIP1-related condition.
Leber congenital amaurosis 6 (LCA6). Identifiers: Orphanet 65, MedGen C1854260, MONDO:0013446, OMIM 613826.
Cone-rod dystrophy 13 (CORD13). Identifiers: Orphanet 1872, MedGen C2750720, MONDO:0011987, OMIM 608194.

Allele frequency attached by ClinVar (database versions not stated): gnomAD 0.00001; TOPMed 0.00006; gnomAD exomes 0.00009; ExAC 0.00012.
gnomAD v4.1: 47 of 1,613,494 alleles (0.0029%); highest among the groups gnomAD compares: Admixed American, 0.027%; no homozygotes.

Submissions (2):

Labcorp Genetics (formerly Invitae), Labcorp
Classification: Likely benign for Leber congenital amaurosis 6; Cone-rod dystrophy 13. Last evaluated: 2025-07-03. Review status: criteria provided, single submitter. Criteria: Invitae Variant Classification Sherloc (09022015). Collection method: clinical testing. Allele origin: germline.

PreventionGenetics, part of Exact Sciences
Classification: Likely benign for RPGRIP1-related condition. Last evaluated: 2025-03-07. Review status: criteria provided, single submitter. Criteria: ACMG Guidelines, 2015. Collection method: clinical testing. Allele origin: germline.
Comment: This variant is classified as likely benign based on ACMG/AMP sequence variant interpretation guidelines (Richards et al. 2015 PMID: 25741868, with internal and published modifications).

NM_020366.4(RPGRIP1):c.3462G>A (p.Ser1154=)

Gene: RPGRIP1 (RPGR interacting protein 1; plus strand). Cytogenetic location: 14q11.2.
Variant type: single nucleotide variant.
Coding change: c.3462G>A on transcript NM_020366.4 (MANE Select); coding-DNA position 3462, G replaced by A.
Protein change: p.Ser1154=; no amino-acid change (serine 1154 retained).
Molecular consequence: synonymous variant.
Genome position (GRCh38, 1-based): chr14:21,343,158, G>A. VCF-style: chr14-21343158-G-A. GRCh37 (hg19) VCF-style: chr14-21811317-G-A.
Other names: c.3462G>A (NM_020366.3); c.1440G>A, p.Ser480= (NM_001377523.1, NM_001377950.1); c.2388G>A, p.Ser796= (NM_001377948.1); c.1548G>A, p.Ser516= (NM_001377949.1); c.945G>A, p.Ser315= (NM_001377951.1).
Identifiers: ClinVar variation 1127212 (VCV001127212.10), dbSNP rs772065227, ClinGen allele CA7089523.
Genomic context (GRCh38, chr14:21,343,158, plus strand): 5'-GTCTGATGAGAACATAAAACAGGTGTATGTGGAGTACAAATTCTACGACCTACCCTTGTC[G>A]GAGACAGAGACTCCAGTGTCCCTAAGGAAGCCTAGGGCAGGAGAAGAAATCCACTTTCAC-3'
Protein context (NP_065099.3, residues 1144-1164): VEYKFYDLPL[Ser1154=]ETETPVSLRK